The following is an entry in ClinVar:

ClinVar aggregate classification (germline): Uncertain significance (1 of 4 stars; one submission).

Conditions:
Joubert syndrome. Also called: CEREBELLOPARENCHYMAL DISORDER IV; JOUBERT-BOLTSHAUSER SYNDROME; Familial aplasia of the vermis. Identifiers: Orphanet 475, MedGen C5979921, MONDO:0018772.
Meckel-Gruber syndrome. Also called: DYSENCEPHALIA SPLANCHNOCYSTICA; GRUBER SYNDROME; Dysencephalia splachnocystica. Identifiers: Orphanet 564, MedGen C0265215, MONDO:0018921.

Submission:

Labcorp Genetics (formerly Invitae), Labcorp
Classification: Uncertain significance for Joubert syndrome; Meckel-Gruber syndrome. Last evaluated: 2022-10-25. Review status: criteria provided, single submitter. Criteria: Invitae Variant Classification Sherloc (09022015). Collection method: clinical testing. Allele origin: germline.
Comment: This sequence change replaces serine, which is neutral and polar, with asparagine, which is neutral and polar, at codon 7 of the MKS1 protein (p.Ser7Asn). This variant is not present in population databases (gnomAD no frequency). This variant has not been reported in the literature in individuals affected with MKS1-related conditions. Advanced modeling of protein sequence and biophysical properties (such as structural, functional, and spatial information, amino acid conservation, physicochemical variation, residue mobility, and thermodynamic stability) performed at Invitae indicates that this missense variant is not expected to disrupt MKS1 protein function. In summary, the available evidence is currently insufficient to determine the role of this variant in disease. Therefore, it has been classified as a Variant of Uncertain Significance.

NM_017777.4(MKS1):c.20G>A (p.Ser7Asn)

Genes: MKS1 (MKS transition zone complex subunit 1; minus strand), LOC130061271 (ATAC-STARR-seq lymphoblastoid active region 12461; plus strand). Cytogenetic location: 17q22.
Variant type: single nucleotide variant.
Coding change: c.20G>A on transcript NM_017777.4 (MANE Select); coding-DNA position 20, G replaced by A.
Protein change: p.Ser7Asn; replaces serine 7 with asparagine.
Molecular consequence: missense variant. On other transcripts: 5 prime UTR variant (1).
Genome position (GRCh38, 1-based): chr17:58,219,211, C>T on the plus strand (G>A on the coding strand, the complement: MKS1 is on the minus strand). VCF-style: chr17-58219211-C-T. GRCh37 (hg19) VCF-style: chr17-56296572-C-T.
Other names: c.-492G>A (NM_001321268.2); c.20G>A, p.Ser7Asn (NM_001321269.2, NM_001330397.2, NM_001411113.1); short protein forms S7N.
Identifiers: ClinVar variation 2197268 (VCV002197268.1), dbSNP rs1275193064, ClinGen allele CA400328222.